The following is an entry in ClinVar:

ClinVar aggregate classification (germline): Uncertain significance (0 of 4 stars; one submission).

Conditions:
GDF1-related disorder. Also called: GDF1-related condition.

Allele frequency attached by ClinVar (database versions not stated): TOPMed 0.00001.
gnomAD v4.1: 2 of 1,064,544 alleles (0.00019%); highest among the groups gnomAD compares: Non-Finnish European, 0.00023%; no homozygotes.

Submission:

PreventionGenetics, part of Exact Sciences
Classification: Uncertain significance for GDF1-related condition. Last evaluated: 2023-10-26. Review status: no assertion criteria provided. Collection method: clinical testing. Allele origin: germline.
Comment: The GDF1 c.665G>A variant is predicted to result in the amino acid substitution p.Arg222Gln. To our knowledge, this variant has not been reported in the literature or in a large population database, indicating this variant is rare. At this time, the clinical significance of this variant is uncertain due to the absence of conclusive functional and genetic evidence.

NM_001492.6(GDF1):c.665G>A (p.Arg222Gln)

Genes: CERS1 (ceramide synthase 1; minus strand), GDF1 (growth differentiation factor 1; minus strand). Cytogenetic location: 19p13.11.
Variant type: single nucleotide variant.
Coding change: c.665G>A on transcript NM_001492.6 (MANE Select); coding-DNA position 665, G replaced by A.
Protein change: p.Arg222Gln; replaces arginine 222 with glutamine.
Molecular consequence: missense variant. On other transcripts: 3 prime UTR variant (2).
Genome position (GRCh38, 1-based): chr19:18,869,051, C>T on the plus strand (G>A on the coding strand, the complement: GDF1 is on the minus strand). VCF-style: chr19-18869051-C-T. GRCh37 (hg19) VCF-style: chr19-18979860-C-T.
Other names: c.*1526G>A (NM_001387440.1); c.*934G>A (NM_021267.5); c.665G>A, p.Arg222Gln (NM_001387438.1); short protein forms R222Q.
Identifiers: ClinVar variation 3053983 (VCV003053983.2), dbSNP rs948898162, ClinGen allele CA306231710.